The following is an entry in ClinVar:

ClinVar aggregate classification (germline): Uncertain significance. Review status: criteria provided, multiple submitters, no conflicts (2 of 4 stars). 3 submissions from 3 submitters: Uncertain significance (3). Last evaluated 2025-12-16.

Conditions:
Cognitive impairment with or without cerebellar ataxia (CIAT). Identifiers: MedGen C3280415, MONDO:0013680, OMIM 614306.
Early-infantile DEE. Also called: Early infantile epileptic encephalopathy; Ohtahara syndrome; Early infantile epileptic encephalopathy with suppression bursts. Identifiers: Orphanet 1934, MedGen C0393706, MONDO:0800491.

Allele frequency attached by ClinVar (database versions not stated): gnomAD 0.00001; gnomAD exomes below 0.00001; TOPMed below 0.00001.
gnomAD v4.1: 2 of 1,613,838 alleles (0.00012%); highest among the groups gnomAD compares: Non-Finnish European, 0.00017%; no homozygotes.

Submissions (3):

Dasa
Classification: Uncertain significance for cognitive impairment with or without cerebellar ataxia. Last evaluated: 2025-12-16. Review status: criteria provided, single submitter. Criteria: DASA Assertion Criteria. Collection method: clinical testing. Allele origin: germline.
Comment: NM_001330260.2(SCN8A):c.2252T>C (p.Met751Thr) is a missense variant that results in the substitution of methionine with threonine. This variant is rare in population databases. Computational prediction algorithms are consistent with a deleterious effect. The currently available literature and clinical evidence are not sufficient to establish a definitive association between this variant and the reported condition. Therefore, this variant is classified as a variant of uncertain significance.

GeneDx
Classification: Uncertain significance. Last evaluated: 2024-08-13. Review status: criteria provided, single submitter. Criteria: GeneDx Variant Classification Process June 2021. Collection method: clinical testing. Allele origin: germline. Affected: yes.
Comment: Not observed at significant frequency in large population cohorts (gnomAD); In silico analysis supports that this missense variant has a deleterious effect on protein structure/function; Has not been previously published as pathogenic or benign to our knowledge; This substitution is predicted to be within the cytoplasmic loop between the first and second homologous domains

Labcorp Genetics (formerly Invitae), Labcorp
Classification: Uncertain significance for Early-infantile DEE. Last evaluated: 2023-10-13. Review status: criteria provided, single submitter. Criteria: Invitae Variant Classification Sherloc (09022015). Collection method: clinical testing. Allele origin: germline.
Comment: This sequence change replaces methionine, which is neutral and non-polar, with threonine, which is neutral and polar, at codon 751 of the SCN8A protein (p.Met751Thr). This variant is not present in population databases (gnomAD no frequency). This variant has not been reported in the literature in individuals affected with SCN8A-related conditions. ClinVar contains an entry for this variant (Variation ID: 2443599). Advanced modeling of protein sequence and biophysical properties (such as structural, functional, and spatial information, amino acid conservation, physicochemical variation, residue mobility, and thermodynamic stability) has been performed at Invitae for this missense variant, however the output from this modeling did not meet the statistical confidence thresholds required to predict the impact of this variant on SCN8A protein function. In summary, the available evidence is currently insufficient to determine the role of this variant in disease. Therefore, it has been classified as a Variant of Uncertain Significance.

NM_001330260.2(SCN8A):c.2252T>C (p.Met751Thr)

Gene: SCN8A (sodium voltage-gated channel alpha subunit 8; plus strand). Cytogenetic location: 12q13.13.
Variant type: single nucleotide variant.
Coding change: c.2252T>C on transcript NM_001330260.2 (MANE Select); coding-DNA position 2252, T replaced by C.
Protein change: p.Met751Thr; replaces methionine 751 with threonine.
Molecular consequence: missense variant.
Genome position (GRCh38, 1-based): chr12:51,751,475, T>C. VCF-style: chr12-51751475-T-C. GRCh37 (hg19) VCF-style: chr12-52145259-T-C.
Other names: c.2252T>C, p.Met751Thr (NM_001177984.3, NM_001369788.1, NM_014191.4); short protein forms M751T.
Identifiers: ClinVar variation 2443599 (VCV002443599.7), dbSNP rs1379759043, ClinGen allele CA384879964.